The following is an entry in ClinVar:

NM_001165963.4(SCN1A):c.3638G>C (p.Arg1213Pro)

Genes: SCN1A (sodium voltage-gated channel alpha subunit 1; minus strand), LOC102724058 (uncharacterized LOC102724058; plus strand). Cytogenetic location: 2q24.3.
Variant type: single nucleotide variant.
Coding change: c.3638G>C on transcript NM_001165963.4 (MANE Select); coding-DNA position 3638, G replaced by C.
Protein change: p.Arg1213Pro; replaces arginine 1213 with proline.
Molecular consequence: missense variant. On other transcripts: non-coding transcript variant (1).
Genome position (GRCh38, 1-based): chr2:166,013,811, C>G on the plus strand (G>C on the coding strand, the complement: SCN1A is on the minus strand). VCF-style: chr2-166013811-C-G. GRCh37 (hg19) VCF-style: chr2-166870321-C-G.
Other names: c.3554G>C, p.Arg1185Pro (NM_001165964.3, NM_001353957.2, NM_001353958.2); c.3638G>C, p.Arg1213Pro (NM_001202435.3, NM_001353948.2); c.3605G>C, p.Arg1202Pro (NM_001353949.2, NM_001353950.2, NM_001353951.2 and 2 more transcripts); c.3602G>C, p.Arg1201Pro (NM_001353954.2, NM_001353955.2); c.3551G>C, p.Arg1184Pro (NM_001353960.2); c.1196G>C, p.Arg399Pro (NM_001353961.2); short protein forms R1202P, R1213P, R1184P, R1201P, R1185P, R399P.
Identifiers: ClinVar variation 3634025 (VCV003634025.3).
Genomic context (GRCh38, chr2:166,013,811, plus strand): 5'-CCACTACTAAGGAGAATCATGAAAACAATGAAGGTCTCAAACCAGTTATGTTCAACTATT[C>G]GGAAACACGTCCTTCTCAGGTTCCACCATTGTTTTCCTCTGCCTTCTTCCACATTGATTT-3'
Protein context (NP_001159435.1, residues 1203-1223): QWWNLRRTCF[Arg1213Pro]IVEHNWFETF

ClinVar aggregate classification (germline): Conflicting classifications of pathogenicity. Review status: criteria provided, conflicting classifications (1 of 4 stars). 2 submissions from 2 submitters: Likely pathogenic (1); Uncertain significance (1). Last evaluated 2024-04-17.

Conditions:
Early-infantile DEE. Also called: Early infantile epileptic encephalopathy with suppression bursts; Early infantile epileptic encephalopathy; Ohtahara syndrome. Identifiers: Orphanet 1934, MedGen C0393706, MONDO:0800491.
SCN1A-related disorder. Also called: SCN1A-related conditions; SCN1A-related condition; SCN1A-related disorders.

Submissions (2):

Labcorp Genetics (formerly Invitae), Labcorp
Classification: Uncertain significance for Early-infantile DEE. Last evaluated: 2024-04-17. Review status: criteria provided, single submitter. Criteria: Invitae Variant Classification Sherloc (09022015). Collection method: clinical testing. Allele origin: germline.
Comment: This sequence change replaces arginine, which is basic and polar, with proline, which is neutral and non-polar, at codon 1213 of the SCN1A protein (p.Arg1213Pro). This variant is not present in population databases (gnomAD no frequency). This variant has not been reported in the literature in individuals affected with SCN1A-related conditions. Advanced modeling of protein sequence and biophysical properties (such as structural, functional, and spatial information, amino acid conservation, physicochemical variation, residue mobility, and thermodynamic stability) performed at Invitae indicates that this missense variant is not expected to disrupt SCN1A protein function with a negative predictive value of 95%. Algorithms developed to predict the effect of sequence changes on RNA splicing suggest that this variant may disrupt the consensus splice site. In summary, the available evidence is currently insufficient to determine the role of this variant in disease. Therefore, it has been classified as a Variant of Uncertain Significance.

Blueprint Genetics
Classification: Likely pathogenic for SCN1A-related disorders. Last evaluated: 2022-01-28. Review status: criteria provided, single submitter. Criteria: ACMG Guidelines, 2015. Collection method: clinical testing. Allele origin: germline. Affected: yes. Observed: 1 variant allele.